The following is an entry in ClinVar:

ClinVar aggregate classification (germline): Uncertain significance (1 of 4 stars; one submission).

Conditions:
Fanconi anemia (FA). Also called: Fanconi's anemia. Identifiers: Orphanet 84, MedGen C0015625, MeSH D005199, MONDO:0019391.

Allele frequency attached by ClinVar (database versions not stated): gnomAD exomes below 0.00001; ExAC 0.00001; TOPMed 0.00001.
gnomAD v4.1: 1 of 1,610,000 alleles (0.000062%); highest among the groups gnomAD compares: Non-Finnish European, 0.000085%; no homozygotes.

Submission:

Labcorp Genetics (formerly Invitae), Labcorp
Classification: Uncertain significance for Fanconi anemia. Last evaluated: 2024-02-17. Review status: criteria provided, single submitter. Criteria: Invitae Variant Classification Sherloc (09022015). Collection method: clinical testing. Allele origin: germline.
Comment: This sequence change replaces tyrosine, which is neutral and polar, with histidine, which is basic and polar, at codon 145 of the FANCC protein (p.Tyr145His). This variant is present in population databases (rs751054264, gnomAD 0.0009%). This variant has not been reported in the literature in individuals affected with FANCC-related conditions. ClinVar contains an entry for this variant (Variation ID: 237072). Advanced modeling of protein sequence and biophysical properties (such as structural, functional, and spatial information, amino acid conservation, physicochemical variation, residue mobility, and thermodynamic stability) performed at Invitae indicates that this missense variant is expected to disrupt FANCC protein function with a positive predictive value of 80%. In summary, the available evidence is currently insufficient to determine the role of this variant in disease. Therefore, it has been classified as a Variant of Uncertain Significance.

NM_000136.3(FANCC):c.433T>C (p.Tyr145His)

Gene: FANCC (FA complementation group C; minus strand). Cytogenetic location: 9q22.32.
Variant type: single nucleotide variant.
Coding change: c.433T>C on transcript NM_000136.3 (MANE Select); coding-DNA position 433, T replaced by C.
Protein change: p.Tyr145His; replaces tyrosine 145 with histidine.
Molecular consequence: missense variant.
Genome position (GRCh38, 1-based): chr9:95,172,060, A>G on the plus strand (T>C on the coding strand, the complement: FANCC is on the minus strand). VCF-style: chr9-95172060-A-G. GRCh37 (hg19) VCF-style: chr9-97934342-A-G.
Other names: c.433T>C, p.Tyr145His (NM_001243743.2, NM_001243744.2); short protein forms Y145H.
Identifiers: ClinVar variation 237072 (VCV000237072.8), dbSNP rs751054264, ClinGen allele CA5137748.
Genomic context (GRCh38, chr9:95,172,060, plus strand): 5'-TTAAACATTTCAAAAGTGATAAATTTTAAATACTCACATTTTTAAGCAAACCAGGATAGT[A>G]ATCTATAGGTGCATACCCAAGACCTTGAGTGAAAAGAGCAACTTCTTTATCAAATCTGAG-3'
Protein context (NP_000127.2, residues 135-155): TQGLGYAPID[Tyr145His]YPGLLKNMVL